The following is an entry in ClinVar:

NM_003235.5(TG):c.2769C>A (p.Gly923=)

Gene: TG (thyroglobulin; plus strand). Cytogenetic location: 8q24.22.
Variant type: single nucleotide variant.
Coding change: c.2769C>A on transcript NM_003235.5 (MANE Select); coding-DNA position 2769, C replaced by A.
Protein change: p.Gly923=; no amino-acid change (glycine 923 retained).
Molecular consequence: synonymous variant.
Genome position (GRCh38, 1-based): chr8:132,893,697, C>A. VCF-style: chr8-132893697-C-A. GRCh37 (hg19) VCF-style: chr8-133905942-C-A.
Other names: c.2769C>A (NM_003235.4).
Identifiers: ClinVar variation 2720686 (VCV002720686.5), dbSNP rs575480573, ClinGen allele CA4883499.

ClinVar aggregate classification (germline): Likely benign. Review status: criteria provided, single submitter (1 of 4 stars). 2 submissions from 2 submitters: Likely benign (1). 1 of the submissions does not count toward it. Last evaluated 2024-02-29.

Conditions:
TG-related disorder. Also called: TG-related disorders; TG-related condition.

Allele frequency attached by ClinVar (database versions not stated): ExAC 0.00002; 1000 Genomes Project 0.00020; 1000 Genomes Project 30x 0.00062.
gnomAD v4.1: 49 of 1,613,750 alleles (0.003%); highest among the groups gnomAD compares: African/African-American, 0.052%; no homozygotes.

Submissions (2):

Labcorp Genetics (formerly Invitae), Labcorp
Classification: Likely benign. Last evaluated: 2024-02-29. Review status: criteria provided, single submitter. Criteria: Invitae Variant Classification Sherloc (09022015). Collection method: clinical testing. Allele origin: germline.

PreventionGenetics, part of Exact Sciences
Classification: Likely benign for TG-related condition. Last evaluated: 2019-04-22. Review status: no assertion criteria provided. Collection method: clinical testing. Allele origin: germline. Not counted in ClinVar's aggregate classification.
Comment: This variant is classified as likely benign based on ACMG/AMP sequence variant interpretation guidelines (Richards et al. 2015 PMID: 25741868, with internal and published modifications).